The following is an entry in ClinVar:

NM_001042472.3(ABHD12):c.118C>G (p.Leu40Val)

Genes: ABHD12 (abhydrolase domain containing 12, lysophospholipase; minus strand), LOC130065586 (ATAC-STARR-seq lymphoblastoid silent region 12752; plus strand). Cytogenetic location: 20p11.21.
Variant type: single nucleotide variant.
Coding change: c.118C>G on transcript NM_001042472.3 (MANE Select); coding-DNA position 118, C replaced by G.
Protein change: p.Leu40Val; replaces leucine 40 with valine.
Molecular consequence: missense variant.
Genome position (GRCh38, 1-based): chr20:25,390,586, G>C on the plus strand (C>G on the coding strand, the complement: ABHD12 is on the minus strand). VCF-style: chr20-25390586-G-C. GRCh37 (hg19) VCF-style: chr20-25371222-G-C.
Other names: c.118C>G, p.Leu40Val (NM_015600.5); short protein forms L40V.
Identifiers: ClinVar variation 1150165 (VCV001150165.15), dbSNP rs746196586, ClinGen allele CA9796319.

ClinVar aggregate classification (germline): Conflicting classifications of pathogenicity. Review status: criteria provided, conflicting classifications (1 of 4 stars). 5 submissions from 5 submitters: Uncertain significance (1); Benign (1); Likely benign (2). 1 of the submissions does not count toward it. Last evaluated 2025-05-02.

Conditions:
ABHD12-related disorder. Also called: ABHD12-related condition.

Allele frequency attached by ClinVar (database versions not stated): gnomAD 0.00008 and 0.00009; TOPMed 0.00008; gnomAD exomes 0.00010 and 0.00027; ExAC 0.00053.
gnomAD v4.1: 143 of 1,476,894 alleles (0.0097%); highest among the groups gnomAD compares: African/African-American, 0.0029%; no homozygotes.

Submissions (5):

GeneDx
Classification: Uncertain significance. Last evaluated: 2025-05-02. Review status: criteria provided, single submitter. Criteria: GeneDx Variant Classification Process June 2021. Collection method: clinical testing. Allele origin: germline.
Comment: In silico analysis suggests that this missense variant does not alter protein structure/function; Has not been previously published as pathogenic or benign to our knowledge

Labcorp Genetics (formerly Invitae), Labcorp
Classification: Likely benign. Last evaluated: 2025-03-17. Review status: criteria provided, single submitter. Criteria: Invitae Variant Classification Sherloc (09022015). Collection method: clinical testing. Allele origin: germline.

Blueprint Genetics
Classification: Benign. Last evaluated: 2024-08-28. Review status: criteria provided, single submitter. Criteria: ACMG Guidelines, 2015. Collection method: clinical testing. Allele origin: germline.

Breakthrough Genomics
Classification: Likely benign. Review status: criteria provided, single submitter. Criteria: ACMG Guidelines, 2015. Collection method: not provided. Allele origin: germline. Inheritance: Autosomal recessive inheritance. Affected: yes.

PreventionGenetics, part of Exact Sciences
Classification: Likely benign for ABHD12-related condition. Last evaluated: 2024-02-20. Review status: no assertion criteria provided. Collection method: clinical testing. Allele origin: germline. Not counted in ClinVar's aggregate classification.
Comment: This variant is classified as likely benign based on ACMG/AMP sequence variant interpretation guidelines (Richards et al. 2015 PMID: 25741868, with internal and published modifications).